The following is an entry in ClinVar:

NM_000051.4(ATM):c.6046G>T (p.Asp2016Tyr)

Genes: ATM (ATM serine/threonine kinase; plus strand), C11orf65 (chromosome 11 open reading frame 65; minus strand). Cytogenetic location: 11q22.3.
Variant type: single nucleotide variant.
Coding change: c.6046G>T on transcript NM_000051.4 (MANE Select); coding-DNA position 6046, G replaced by T.
Protein change: p.Asp2016Tyr; replaces aspartic acid 2016 with tyrosine.
Molecular consequence: missense variant. On other transcripts: intron variant (2).
Genome position (GRCh38, 1-based): chr11:108,315,862, G>T. VCF-style: chr11-108315862-G-T. GRCh37 (hg19) VCF-style: chr11-108186589-G-T.
Other names: c.6046G>T, p.Asp2016Tyr (NM_001351834.2); c.641-6791C>A (NM_001330368.2); c.*39-6791C>A (NM_001351110.2); short protein forms D2016Y.
Identifiers: ClinVar variation 3647531 (VCV003647531.2).

ClinVar aggregate classification (germline): Uncertain significance (1 of 4 stars; one submission).

Conditions:
Ataxia-telangiectasia syndrome (AT). Also called: Ataxia-telangiectasia, complementation group D; AT, COMPLEMENTATION GROUP C; ATAXIA-TELANGIECTASIA, COMPLEMENTATION GROUP A; ATAXIA-TELANGIECTASIA, FRESNO VARIANT; Ataxia-telangiectasia; Ataxia-telangiectasia, complementation group E. Identifiers: Orphanet 100, MedGen C0004135, MONDO:0008840, OMIM 208900.

Submission:

Labcorp Genetics (formerly Invitae), Labcorp
Classification: Uncertain significance for Ataxia-telangiectasia syndrome. Last evaluated: 2024-03-25. Review status: criteria provided, single submitter. Criteria: Invitae Variant Classification Sherloc (09022015). Collection method: clinical testing. Allele origin: germline.
Comment: This sequence change replaces aspartic acid, which is acidic and polar, with tyrosine, which is neutral and polar, at codon 2016 of the ATM protein (p.Asp2016Tyr). This variant is not present in population databases (gnomAD no frequency). This variant has not been reported in the literature in individuals affected with ATM-related conditions. An algorithm developed to predict the effect of missense changes on protein structure and function (PolyPhen-2) suggests that this variant is likely to be disruptive. This variant disrupts the p.Asp2016 amino acid residue in ATM. Other variant(s) that disrupt this residue have been determined to be pathogenic (PMID: 9887333, 18634022, 21965147, 28120234, 31741144, 32658311). This suggests that this residue is clinically significant, and that variants that disrupt this residue are likely to be disease-causing. In summary, the available evidence is currently insufficient to determine the role of this variant in disease. Therefore, it has been classified as a Variant of Uncertain Significance.

Literature cited by the submitters: PubMed 9887333; PubMed 18634022; PubMed 21965147; PubMed 28120234; PubMed 31741144; PubMed 32658311.